The following is an entry in ClinVar:

NM_001184.4(ATR):c.2670A>T (p.Leu890Phe)

Gene: ATR (ATR checkpoint kinase; minus strand). Cytogenetic location: 3q23.
Variant type: single nucleotide variant.
Coding change: c.2670A>T on transcript NM_001184.4 (MANE Select); coding-DNA position 2670, A replaced by T.
Protein change: p.Leu890Phe; replaces leucine 890 with phenylalanine.
Molecular consequence: missense variant.
Genome position (GRCh38, 1-based): chr3:142,553,362, T>A on the plus strand (A>T on the coding strand, the complement: ATR is on the minus strand). VCF-style: chr3-142553362-T-A. GRCh37 (hg19) VCF-style: chr3-142272204-T-A.
Other names: c.2478A>T, p.Leu826Phe (NM_001354579.2); short protein forms L826F, L890F.
Identifiers: ClinVar variation 1794545 (VCV001794545.2), dbSNP rs1255711458, ClinGen allele CA354814804.
Genomic context (GRCh38, chr3:142,553,362, plus strand): 5'-TTCTGTGTATGCTGCTCCAGAGACAGATGCTGACTTGGATAACAAACAATGCAATAAGTG[T>A]AAGAGTGCAAATGGTACCAAATCTCCTTTTGCGGCCCTAAAATTAAAAACAACATACATA-3'
Protein context (NP_001175.2, residues 880-900): AKGDLVPFAL[Leu890Phe]HLLHCLLSKS

ClinVar aggregate classification (germline): Uncertain significance (1 of 4 stars; one submission).

Conditions:
Inborn genetic diseases. Identifiers: MedGen C0950123, MeSH D030342.

Allele frequency attached by ClinVar (database versions not stated): gnomAD exomes below 0.00001; TOPMed below 0.00001.
gnomAD v4.1: 1 of 1,613,958 alleles (0.000062%); highest among the groups gnomAD compares: Admixed American, 0.0017%; no homozygotes.

Submission:

Ambry Genetics
Classification: Uncertain significance for Inborn genetic diseases. Last evaluated: 2021-09-01. Review status: criteria provided, single submitter. Criteria: Ambry Variant Classification Scheme 2023. Collection method: clinical testing. Allele origin: germline.
Comment: The p.L890F variant (also known as c.2670A>T), located in coding exon 13 of the ATR gene, results from an A to T substitution at nucleotide position 2670. The leucine at codon 890 is replaced by phenylalanine, an amino acid with highly similar properties. This amino acid position is conserved. In addition, the in silico prediction for this alteration is inconclusive. Since supporting evidence is limited at this time, the clinical significance of this alteration remains unclear.